The following is an entry in ClinVar:

ClinVar aggregate classification (germline): Uncertain significance. Review status: criteria provided, multiple submitters, no conflicts (2 of 4 stars). 2 submissions from 2 submitters: Uncertain significance (2). Last evaluated 2025-06-12.

Conditions:
SEMA3G-related disorder. Also called: SEMA3G-related condition.

gnomAD v4.1: 16 of 1,613,024 alleles (0.00099%); highest among the groups gnomAD compares: Non-Finnish European, 0.0014%; no homozygotes.

Submissions (2):

Ambry Genetics
Classification: Uncertain significance. Last evaluated: 2025-06-12. Review status: criteria provided, single submitter. Criteria: Ambry Variant Classification Scheme 2023. Collection method: clinical testing. Allele origin: germline.

PreventionGenetics, part of Exact Sciences
Classification: Uncertain significance for SEMA3G-related condition. Last evaluated: 2022-09-21. Review status: criteria provided, single submitter. Criteria: ACMG Guidelines, 2015. Collection method: clinical testing. Allele origin: germline.
Comment: The SEMA3G c.1652G>T variant is predicted to result in the amino acid substitution p.Arg551Leu. To our knowledge, this variant has not been reported in the literature. This variant is reported in 0.0018% of alleles in individuals of European (Non-Finnish) descent in gnomAD. At this time, the clinical significance of this variant is uncertain due to the absence of conclusive functional and genetic evidence.

NM_020163.3(SEMA3G):c.1652G>T (p.Arg551Leu)

Gene: SEMA3G (semaphorin 3G; minus strand). Cytogenetic location: 3p21.1.
Variant type: single nucleotide variant.
Coding change: c.1652G>T on transcript NM_020163.3 (MANE Select); coding-DNA position 1652, G replaced by T.
Protein change: p.Arg551Leu; replaces arginine 551 with leucine.
Molecular consequence: missense variant.
Genome position (GRCh38, 1-based): chr3:52,438,057, C>A on the plus strand (G>T on the coding strand, the complement: SEMA3G is on the minus strand). VCF-style: chr3-52438057-C-A. GRCh37 (hg19) VCF-style: chr3-52472073-C-A.
Other names: c.1652G>T (NM_020163.2); short protein forms R551L.
Identifiers: ClinVar variation 2264275 (VCV002264275.4), dbSNP rs568859731, ClinGen allele CA353142042.